The following is an entry in ClinVar:

NC_000003.11:g.(?_132387642)_(132389148_?)del

Gene: UBA5 (ubiquitin like modifier activating enzyme 5; plus strand). Cytogenetic location: 3q22.1.
Variant type: Deletion.
Identifiers: ClinVar variation 2426894 (VCV002426894.4).

ClinVar aggregate classification (germline): Pathogenic (1 of 4 stars; one submission).

Submission:

Labcorp Genetics (formerly Invitae), Labcorp
Classification: Pathogenic. Last evaluated: 2022-08-21. Review status: criteria provided, single submitter. Criteria: Invitae Variant Classification Sherloc (09022015). Collection method: clinical testing. Allele origin: germline.
Comment: For these reasons, this variant has been classified as Pathogenic. This variant has not been reported in the literature in individuals affected with UBA5-related conditions. This variant is a gross deletion of the genomic region encompassing exon(s) 4-5 of the UBA5 gene. This deletion is out-of-frame, and is expected to create a premature termination codon and result in an absent or disrupted protein product. Loss-of-function variants in UBA5 are known to be pathogenic (PMID: 27545674, 27545681).

Literature cited by the submitters: PubMed 27545674; PubMed 27545681.